The following is an entry in ClinVar:

NM_144670.6(A2ML1):c.136G>A (p.Gly46Arg)

Genes: A2ML1 (alpha-2-macroglobulin like 1; plus strand), A2ML1-AS1 (A2ML1 antisense RNA 1; minus strand). Cytogenetic location: 12p13.31.
Variant type: single nucleotide variant.
Coding change: c.136G>A on transcript NM_144670.6 (MANE Select); coding-DNA position 136, G replaced by A.
Protein change: p.Gly46Arg; replaces glycine 46 with arginine.
Molecular consequence: missense variant.
Genome position (GRCh38, 1-based): chr12:8,823,255, G>A. VCF-style: chr12-8823255-G-A. GRCh37 (hg19) VCF-style: chr12-8975851-G-A.
Other names: short protein forms G46R.
Identifiers: ClinVar variation 5023413 (VCV005023413.1).
Genomic context (GRCh38, chr12:8,823,255, plus strand): 5'-ACATTACCAGCCCGGCTAAATTTCCCCTCCGTTCAGAAGGTTTGTTTGGACCTGAGCCCT[G>A]GGTACAGTGATGTTAAATTCACGGTTACTCTGGAGACCAAGGACAAGACCCAGAAGTTGC-3'
Protein context (NP_653271.3, residues 36-56): VQKVCLDLSP[Gly46Arg]YSDVKFTVTL

ClinVar aggregate classification (germline): Uncertain significance (1 of 4 stars; one submission).

Submission:

Ambry Genetics
Classification: Uncertain significance. Last evaluated: 2026-07-09. Review status: criteria provided, single submitter. Criteria: Ambry Variant Classification Scheme 2023. Collection method: clinical testing. Allele origin: germline.
Comment: The p.G46R variant (also known as c.136G>A), located in coding exon 2 of the A2ML1 gene, results from a G to A substitution at nucleotide position 136. The glycine at codon 46 is replaced by arginine, an amino acid with dissimilar properties. This amino acid position is conserved. In addition, this alteration is predicted to be tolerated by in silico analysis. Based on the available evidence, the clinical significance of this variant remains unclear.